The following is an entry in ClinVar:

ClinVar aggregate classification (germline): Uncertain significance. Review status: criteria provided, multiple submitters, no conflicts (2 of 4 stars). 2 submissions from 2 submitters: Uncertain significance (2). Last evaluated 2025-02-18.

Conditions:
COL8A2-related disorder. Also called: COL8A2-related condition.
Inborn genetic diseases. Identifiers: MedGen C0950123, MeSH D030342.

Allele frequency attached by ClinVar (database versions not stated): TOPMed 0.00001.

Submissions (2):

PreventionGenetics, part of Exact Sciences
Classification: Uncertain significance for COL8A2-related condition. Last evaluated: 2025-02-18. Review status: criteria provided, single submitter. Criteria: ACMG Guidelines, 2015. Collection method: clinical testing. Allele origin: germline.
Comment: The COL8A2 c.206C>T variant is predicted to result in the amino acid substitution p.Pro69Leu. To our knowledge, this variant has not been reported in the literature. This variant is reported in 0.012% of alleles in individuals of Latino descent in gnomAD, which may be too frequent to be a primary cause of disease. Although we suspect that this variant may be benign, at this time, the clinical significance of this variant is uncertain due to the absence of conclusive functional and genetic evidence.

Ambry Genetics
Classification: Uncertain significance for Inborn genetic diseases. Last evaluated: 2024-02-27. Review status: criteria provided, single submitter. Criteria: Ambry Variant Classification Scheme 2023. Collection method: clinical testing. Allele origin: germline.

NM_005202.4(COL8A2):c.206C>T (p.Pro69Leu)

Gene: COL8A2 (collagen type VIII alpha 2 chain; minus strand). Cytogenetic location: 1p34.3.
Variant type: single nucleotide variant.
Coding change: c.206C>T on transcript NM_005202.4 (MANE Select); coding-DNA position 206, C replaced by T.
Protein change: p.Pro69Leu; replaces proline 69 with leucine.
Molecular consequence: missense variant.
Genome position (GRCh38, 1-based): chr1:36,099,475, G>A on the plus strand (C>T on the coding strand, the complement: COL8A2 is on the minus strand). VCF-style: chr1-36099475-G-A. GRCh37 (hg19) VCF-style: chr1-36565076-G-A.
Other names: c.206C>T (NM_005202.3); c.11C>T, p.Pro4Leu (NM_001294347.2); short protein forms P4L, P69L.
Identifiers: ClinVar variation 3147825 (VCV003147825.2), dbSNP rs1403447064, ClinGen allele CA339397838.